The following is an entry in ClinVar:

NM_001317778.2(SFTPC):c.157G>A (p.Ala53Thr)

Gene: SFTPC (surfactant protein C; plus strand). Cytogenetic location: 8p21.3.
Variant type: single nucleotide variant.
Coding change: c.157G>A on transcript NM_001317778.2 (MANE Select); coding-DNA position 157, G replaced by A.
Protein change: p.Ala53Thr; replaces alanine 53 with threonine.
Molecular consequence: missense variant. On other transcripts: intron variant (1).
Genome position (GRCh38, 1-based): chr8:22,162,688, G>A. VCF-style: chr8-22162688-G-A. GRCh37 (hg19) VCF-style: chr8-22020201-G-A.
Other names: c.157G>A, p.Ala53Thr (NM_001172357.2, NM_001172410.2, NM_001317780.2 and 1 more transcripts); c.43-392G>A (NM_001317779.2); short protein forms A53T.
Identifiers: ClinVar variation 911206 (VCV000911206.8), dbSNP rs200039720, ClinGen allele CA4663916.
Genomic context (GRCh38, chr8:22,162,688, plus strand): 5'-CTGAAACGCCTTCTTATCGTGGTGGTGGTGGTGGTCCTCATCGTCGTGGTGATTGTGGGA[G>A]CCCTGCTCATGGGTCTCCACATGAGCCAGAAACACACGGAGATGGTGAGAGGTGTGGGAT-3'
Protein context (NP_001304707.1, residues 43-63): VVLIVVVIVG[Ala53Thr]LLMGLHMSQK

ClinVar aggregate classification (germline): Conflicting classifications of pathogenicity. Review status: criteria provided, conflicting classifications (1 of 4 stars). 5 submissions from 4 submitters: Uncertain significance (3); Benign (2). Last evaluated 2024-11-19.

Conditions:
Surfactant metabolism dysfunction, pulmonary, 2 (SMDP2). Also called: DESQUAMATIVE INTERSTITIAL PNEUMONITIS DUE TO SURFACTANT PROTEIN C DEFICIENCY; INTERSTITIAL LUNG DISEASE DUE TO SURFACTANT PROTEIN C DEFICIENCY; PULMONARY ALVEOLAR PROTEINOSIS, CONGENITAL, 2. Identifiers: Orphanet 440392, MedGen C1970470, MONDO:0024465, OMIM 610913.
Interstitial lung disease 2 (ILD2). Also called: Familial idiopathic pulmonary fibrosis; FIBROCYSTIC PULMONARY DYSPLASIA; FIBROSING ALVEOLITIS, CRYPTOGENIC. Identifiers: Orphanet 2032, Orphanet 79126, MedGen C5561926, MONDO:0800497, OMIM 178500, MONDO:0800029.
SFTPC-related disorder. Also called: SFTPC-related condition.

Allele frequency attached by ClinVar (database versions not stated): ESP Exome Variant Server 0.00008; TOPMed 0.00014; gnomAD 0.00011 and 0.00010; ExAC 0.00021; gnomAD exomes 0.00015.
gnomAD v4.1: 231 of 1,614,108 alleles (0.014%); highest among the groups gnomAD compares: Non-Finnish European, 0.018%; no homozygotes.

Submissions (5):

PreventionGenetics, part of Exact Sciences
Classification: Uncertain significance for SFTPC-related condition. Last evaluated: 2024-11-19. Review status: criteria provided, single submitter. Criteria: ACMG Guidelines, 2015. Collection method: clinical testing. Allele origin: germline.
Comment: The SFTPC c.157G>A variant is predicted to result in the amino acid substitution p.Ala53Thr. This variant has been reported, including in cis and in trans with another SFTPC variant, in a few individuals with lung disease (Bækvad-Hansen et al. 2009. PubMed ID: 19910179; Kröner et al. 2015. PubMed ID: 25657025; Supporting Table S1, Willander et al. 2012. PubMed ID: 22308375). This variant has also been reported in over 35 apparently unaffected individuals who have normal lung function with increased asthma risk (Bækvad-Hansen et al. 2009. PubMed ID: 19910179; Supplemental File 3, Rego et al. 2018. PubMed ID: 30487145). This variant is reported in 0.026% of alleles in individuals of European (Non-Finnish) descent in gnomAD. At this time, the clinical significance of this variant is uncertain due to the absence of conclusive functional and genetic evidence.

GeneDx
Classification: Uncertain significance. Last evaluated: 2023-03-27. Review status: criteria provided, single submitter. Criteria: GeneDx Variant Classification Process June 2021. Collection method: clinical testing. Allele origin: germline. Affected: yes.
Comment: Reported in several children with infantile-onset lung disease who were also reported to have another SFTPC variant (p.(L181V)) on the same allele (in cis), but the variant was inherited from an unaffected parent (Willander et al., 2012; Kroner et al., 2015); A study evaluating large population-based cohorts for the p.(A53T) variant found that p.(A53T) was associated with a two-fold increased risk of asthma, but there was no significant association with the risk of chronic obstructive pulmonary disease or interstitial lung disease (Baekvad-Hansen et al., 2010); In silico analysis supports that this missense variant has a deleterious effect on protein structure/function; This variant is associated with the following publications: (PMID: 30487145, 22308375, 19910179, 25657025)

Johns Hopkins Genomics, Johns Hopkins University
Classification: Uncertain significance for Surfactant metabolism dysfunction, pulmonary, 2. Last evaluated: 2020-04-10. Review status: criteria provided, single submitter. Criteria: ACMG Guidelines, 2015. Collection method: clinical testing. Allele origin: germline.
Comment: This variant has been previously reported in individuals with pulmonary disease of varying severity. SFTPC c.157G>A (rs200039720) is present in a large population dataset (gnomAD: 43/280968 total alleles; 0.015%; no homozygotes). This variant has not been reported in ClinVar, to our knowledge. Studies show that individuals carrying this variant have no difference in lung function as compared to non-carriers, however, the effect of this variant on pulmonary-associated surfactant protein C function has not been experimentally assessed to our knowledge. Three bioinformatic tools queried predict that the substitution would be damaging, but these algorithms have low specificity, especially for predicting gain of function or dominant negative variants. Due to insufficient evidence, we consider the clinical significance of c.157G>A to be uncertain at this time.

Illumina Laboratory Services, Illumina
Classification: Benign for Surfactant metabolism dysfunction, pulmonary, 2. Last evaluated: 2017-04-28. Review status: criteria provided, single submitter. Criteria: ICSL Variant Classification Criteria 13 December 2019. Collection method: clinical testing. Allele origin: germline.
Comment: This variant was observed as part of a predisposition screen in an ostensibly healthy population. A literature search was performed for the gene, cDNA change, and amino acid change (where applicable). Publications were found based on this search. The evidence from the literature, in combination with allele frequency data from public databases where available, was sufficient to rule this variant out of causing disease. Therefore, this variant is classified as benign.

Illumina Laboratory Services, Illumina
Classification: Benign for Idiopathic fibrosing alveolitis, chronic form. Last evaluated: 2017-04-28. Review status: criteria provided, single submitter. Criteria: ICSL Variant Classification Criteria 13 December 2019. Collection method: clinical testing. Allele origin: germline.
Comment: the same text as in the submission from Illumina Laboratory Services, Illumina above.

Literature cited by the submitters: PubMed 19910179 (cited by Johns Hopkins Genomics, Johns Hopkins University and Illumina Laboratory Services, Illumina); PubMed 25657025 (cited by Johns Hopkins Genomics, Johns Hopkins University).